The following is an entry in ClinVar:

ClinVar aggregate classification (germline): Uncertain significance (1 of 4 stars; one submission).

Conditions:
Cerebral creatine deficiency syndrome. Also called: Creatine deficiency syndromes. Identifiers: Orphanet 79172, MedGen C5244016, MONDO:0000456.

gnomAD v4.1: 1 of 1,613,714 alleles (0.000062%); no homozygotes.

Submission:

Labcorp Genetics (formerly Invitae), Labcorp
Classification: Uncertain significance for Cerebral creatine deficiency syndrome. Last evaluated: 2021-06-15. Review status: criteria provided, single submitter. Criteria: Invitae Variant Classification Sherloc (09022015). Collection method: clinical testing. Allele origin: germline.
Comment: In summary, the available evidence is currently insufficient to determine the role of this variant in disease. Therefore, it has been classified as a Variant of Uncertain Significance. Nucleotide substitutions within the consensus splice site are a relatively common cause of aberrant splicing (PMID: 17576681, 9536098). Algorithms developed to predict the effect of sequence changes on RNA splicing suggest that this variant is not likely to affect RNA splicing, but this prediction has not been confirmed by published transcriptional studies. This variant has not been reported in the literature in individuals with GAMT-related conditions. This variant is not present in population databases (ExAC no frequency). This sequence change falls in intron 4 of the GAMT gene. It does not directly change the encoded amino acid sequence of the GAMT protein. It affects a nucleotide within the consensus splice site of the intron.

Literature cited by the submitters: PubMed 17576681; PubMed 9536098.

NM_000156.6(GAMT):c.459+3G>T

Gene: GAMT (guanidinoacetate N-methyltransferase; minus strand). Cytogenetic location: 19p13.3.
Variant type: single nucleotide variant.
Coding change: c.459+3G>T on transcript NM_000156.6 (MANE Select); 3 bases into the intron after coding-DNA position 459, G replaced by T.
Molecular consequence: intron variant.
Genome position (GRCh38, 1-based): chr19:1,399,125, C>A on the plus strand (G>T on the coding strand, the complement: GAMT is on the minus strand). VCF-style: chr19-1399125-C-A. GRCh37 (hg19) VCF-style: chr19-1399124-C-A.
Other names: c.459+3G>T (NM_138924.3).
Identifiers: ClinVar variation 1359845 (VCV001359845.6), dbSNP rs756194610, ClinGen allele CA2573155791.